The following is an entry in ClinVar:

ClinVar aggregate classification (germline): Uncertain significance. Review status: criteria provided, multiple submitters, no conflicts (2 of 4 stars). 7 submissions from 5 submitters: Uncertain significance (7). Last evaluated 2024-01-04.

Conditions:
Cone-rod dystrophy 13 (CORD13). Identifiers: Orphanet 1872, MedGen C2750720, MONDO:0011987, OMIM 608194.
Leber congenital amaurosis 6 (LCA6). Identifiers: Orphanet 65, MedGen C1854260, MONDO:0013446, OMIM 613826.
Inborn genetic diseases. Identifiers: MedGen C0950123, MeSH D030342.

Allele frequency attached by ClinVar (database versions not stated): ExAC 0.00001; gnomAD exomes 0.00001 and 0.00005; gnomAD 0.00002; TOPMed 0.00005.
gnomAD v4.1: 83 of 1,599,994 alleles (0.0052%); highest among the groups gnomAD compares: Non-Finnish European, 0.0065%; no homozygotes.

Submissions (7):

Ambry Genetics
Classification: Uncertain significance for Inborn genetic diseases. Last evaluated: 2024-01-04. Review status: criteria provided, single submitter. Criteria: Ambry Variant Classification Scheme 2023. Collection method: clinical testing. Allele origin: germline.

Blueprint Genetics
Classification: Uncertain significance. Last evaluated: 2022-11-23. Review status: criteria provided, single submitter. Criteria: ACMG Guidelines, 2015. Collection method: clinical testing. Allele origin: germline.

Labcorp Genetics (formerly Invitae), Labcorp
Classification: Uncertain significance for Leber congenital amaurosis 6; Cone-rod dystrophy 13. Last evaluated: 2022-09-06. Review status: criteria provided, single submitter. Criteria: Invitae Variant Classification Sherloc (09022015). Collection method: clinical testing. Allele origin: germline.
Comment: This sequence change replaces glycine, which is neutral and non-polar, with glutamic acid, which is acidic and polar, at codon 313 of the RPGRIP1 protein (p.Gly313Glu). This variant is present in population databases (rs755322533, gnomAD 0.003%). This variant has not been reported in the literature in individuals affected with RPGRIP1-related conditions. ClinVar contains an entry for this variant (Variation ID: 573467). Algorithms developed to predict the effect of missense changes on protein structure and function are either unavailable or do not agree on the potential impact of this missense change (SIFT: "Tolerated"; PolyPhen-2: "Possibly Damaging"; Align-GVGD: "Class C0"). In summary, the available evidence is currently insufficient to determine the role of this variant in disease. Therefore, it has been classified as a Variant of Uncertain Significance.

Genome-Nilou Lab
Classification: Uncertain significance for Leber congenital amaurosis 6. Last evaluated: 2021-11-07. Review status: criteria provided, single submitter. Criteria: ACMG Guidelines, 2015. Collection method: clinical testing. Allele origin: germline. Affected: no.

Genome-Nilou Lab
Classification: Uncertain significance for Cone-rod dystrophy 13. Last evaluated: 2021-11-07. Review status: criteria provided, single submitter. Criteria: ACMG Guidelines, 2015. Collection method: clinical testing. Allele origin: germline. Affected: no.

Illumina Laboratory Services, Illumina
Classification: Uncertain significance for Leber congenital amaurosis 6. Last evaluated: 2017-04-27. Review status: criteria provided, single submitter. Criteria: ICSL Variant Classification Criteria 13 December 2019. Collection method: clinical testing. Allele origin: germline.

Illumina Laboratory Services, Illumina
Classification: Uncertain significance for Cone-rod dystrophy 13. Last evaluated: 2017-04-27. Review status: criteria provided, single submitter. Criteria: ICSL Variant Classification Criteria 13 December 2019. Collection method: clinical testing. Allele origin: germline.

NM_020366.4(RPGRIP1):c.938G>A (p.Gly313Glu)

Gene: RPGRIP1 (RPGR interacting protein 1; plus strand). Cytogenetic location: 14q11.2.
Variant type: single nucleotide variant.
Coding change: c.938G>A on transcript NM_020366.4 (MANE Select); coding-DNA position 938, G replaced by A.
Protein change: p.Gly313Glu; replaces glycine 313 with glutamic acid.
Molecular consequence: missense variant.
Genome position (GRCh38, 1-based): chr14:21,311,831, G>A. VCF-style: chr14-21311831-G-A. GRCh37 (hg19) VCF-style: chr14-21779990-G-A.
Other names: short protein forms G313E.
Identifiers: ClinVar variation 573467 (VCV000573467.15), dbSNP rs755322533, ClinGen allele CA7088832.
Genomic context (GRCh38, chr14:21,311,831, plus strand): 5'-CACTCGTGCTGAGTGATATGACCATTCCCAGAGGTACTTTCCTTTTGACCCAGAATCAGG[G>A]AATCCTGAGTGCAGCCCATGAGGCCCTCCTCAAGCAAGTGAATGAGCTCAGGGCAGAGCT-3'
Protein context (NP_065099.3, residues 303-323): AYETLLQKNQ[Gly313Glu]ILSAAHEALL